The following is an entry in ClinVar:

ClinVar aggregate classification (germline): Likely benign (1 of 4 stars; one submission).

Conditions:
Junctional epidermolysis bullosa. Identifiers: Orphanet 305, MedGen C0079301, MONDO:0017612.

Allele frequency attached by ClinVar (database versions not stated): 1000 Genomes Project 30x 0.00359; 1000 Genomes Project 0.00379.

Submission:

Illumina Laboratory Services, Illumina
Classification: Likely benign for Junctional epidermolysis bullosa. Last evaluated: 2018-01-12. Review status: criteria provided, single submitter. Criteria: ICSL Variant Classification Criteria 13 December 2019. Collection method: clinical testing. Allele origin: germline.
Comment: This variant was observed in the ICSL laboratory as part of a predisposition screen in an ostensibly healthy population. It had not been previously curated by ICSL or reported in the Human Gene Mutation Database (HGMD: prior to June 1st, 2018), and was therefore a candidate for classification through an automated scoring system. Utilizing variant allele frequency, disease prevalence and penetrance estimates, and inheritance mode, an automated score was calculated to assess if this variant is too frequent to cause the disease. Based on the score and internal cut-off values, a variant classified as likely benign is not then subjected to further curation. The score for this variant resulted in a classification of likely benign for this disease.

NM_005562.3(LAMC2):c.*875G>A

Gene: LAMC2 (laminin subunit gamma 2; plus strand). Cytogenetic location: 1q25.3.
Variant type: single nucleotide variant.
Coding change: c.*875G>A on transcript NM_005562.3 (MANE Select); 875 bases downstream of the stop codon, G replaced by A.
Molecular consequence: 3 prime UTR variant.
Genome position (GRCh38, 1-based): chr1:183,244,275, G>A. VCF-style: chr1-183244275-G-A. GRCh37 (hg19) VCF-style: chr1-183213410-G-A.
Identifiers: ClinVar variation 875241 (VCV000875241.4), dbSNP rs10797863, ClinGen allele CA33949642.